The following is an entry in ClinVar:

NM_007294.4(BRCA1):c.4986+5G>T

Gene: BRCA1 (BRCA1 DNA repair associated; minus strand). Cytogenetic location: 17q21.31.
Variant type: single nucleotide variant.
Coding change: c.4986+5G>T on transcript NM_007294.4 (MANE Select); 5 bases into the intron after coding-DNA position 4986, G replaced by T.
Molecular consequence: intron variant.
Genome position (GRCh38, 1-based): chr17:43,070,923, C>A on the plus strand (G>T on the coding strand, the complement: BRCA1 is on the minus strand). VCF-style: chr17-43070923-C-A. GRCh37 (hg19) VCF-style: chr17-41222940-C-A.
Other names: c.1533+5G>T (NM_001408458.1, NM_001408461.1, NM_001408464.1 and 7 more transcripts); c.4095+5G>T (NM_001407967.1); c.4605+5G>T (NM_001407959.1); c.4719+5G>T (NM_001407931.1, NM_001407932.1, NM_001407928.1 and 4 more transcripts); c.4842+5G>T (NM_001407747.1, NM_001407745.1, NM_001407737.1 and 21 more transcripts); c.4602+5G>T (NM_001407962.1, NM_001407960.1); c.1173+5G>T (NM_001408512.1); c.1296+5G>T (NM_001408510.1); and 71 more.
Identifiers: ClinVar variation 55343 (VCV000055343.4), dbSNP rs397509211, ClinGen allele CA003125.

ClinVar aggregate classification (germline): not provided (0 of 4 stars; one submission).

Conditions:
Familial cancer of breast. Also called: hereditary breast carcinoma; BREAST CANCER, FAMILIAL; Hereditary breast cancer. Identifiers: Orphanet 227535, MedGen C0346153, MONDO:0016419, OMIM 114480. Disease mechanism: loss of function.

Submissions (2):

Brotman Baty Institute, University of Washington
No classification provided (evidence only). Condition: Breast-ovarian cancer, familial 1. Review status: no classification provided. Collection method: in vitro. Allele origin: not applicable. Functional consequence: functionally_abnormal. Not counted in ClinVar's aggregate classification.
ClinVar note: "not provided" was previously submitted as the classification for the variant. However, the classification appeared to be based only on an observation of functional data so it was converted to no classification on 2025-07-30.

ClinVar Staff, National Center for Biotechnology Information (NCBI)
No classification provided. Condition: Familial cancer of breast. Review status: no classification provided. Collection method: literature only. Allele origin: germline. Affected: yes.

Literature cited by the submitters: PubMed 18693280 (cited by ClinVar Staff, National Center for Biotechnology Information (NCBI)).